The following is an entry in ClinVar:

NM_001377530.1(DMBT1):c.7212C>T (p.Tyr2404=)

Genes: DMBT1 (deleted in malignant brain tumors 1; plus strand), LOC126861068 (BRD4-independent group 4 enhancer GRCh37_chr10:124398858-124400057; plus strand). Cytogenetic location: 10q26.13.
Variant type: single nucleotide variant.
Coding change: c.7212C>T on transcript NM_001377530.1 (MANE Select); coding-DNA position 7212, C replaced by T.
Protein change: p.Tyr2404=; no amino-acid change (tyrosine 2404 retained).
Molecular consequence: synonymous variant.
Genome position (GRCh38, 1-based): chr10:122,640,309, C>T. VCF-style: chr10-122640309-C-T. GRCh37 (hg19) VCF-style: chr10-124399825-C-T.
Other names: c.6822C>T, p.Tyr2274= (NM_001320644.2); c.4941C>T, p.Tyr1647= (NM_004406.3); c.6825C>T, p.Tyr2275= (NM_007329.3); c.6795C>T, p.Tyr2265= (NM_017579.3).
Identifiers: ClinVar variation 2640942 (VCV002640942.24), dbSNP rs370827974, ClinGen allele CA5728468.

ClinVar aggregate classification (germline): Likely benign (1 of 4 stars; one submission).

Allele frequency attached by ClinVar (database versions not stated): 1000 Genomes Project 30x 0.00016; ESP Exome Variant Server 0.00016; ExAC 0.00023; gnomAD 0.00023; TOPMed 0.00023; 1000 Genomes Project 0.00040.
gnomAD v4.1: 203 of 1,614,070 alleles (0.013%); highest among the groups gnomAD compares: Middle Eastern, 0.066%; no homozygotes.

Submission:

CeGaT Center for Human Genetics Tuebingen
Classification: Likely benign. Last evaluated: 2023-03-01. Review status: criteria provided, single submitter. Criteria: CeGaT Center For Human Genetics Tuebingen Variant Classification Criteria Version 2. Collection method: clinical testing. Allele origin: germline. Affected: yes. Observed: 1 variant allele.
Comment: DMBT1: BP4, BP7